The following is an entry in ClinVar:

NM_000094.4(COL7A1):c.8704del (p.Glu2902fs)

Gene: COL7A1 (collagen type VII alpha 1 chain; minus strand). Cytogenetic location: 3p21.31.
Variant type: Deletion.
Coding change: c.8704del on transcript NM_000094.4 (MANE Select); coding-DNA position 8704, one base deleted (G; older notation c.8704delG).
Protein change: p.Glu2902fs; shifts the reading frame from glutamic acid 2902.
Molecular consequence: frameshift variant.
Genome position (GRCh38, 1-based): chr3:48,564,897, C deleted on the plus strand (G on the coding strand, the reverse complement: COL7A1 is on the minus strand). VCF-style (leftmost placement, unchanged base first): chr3-48564896-TC-T. GRCh37 (hg19) VCF-style: chr3-48602329-TC-T.
Other names: short protein forms E2902fs.
Identifiers: ClinVar variation 2840752 (VCV002840752.3), dbSNP rs2530796356, ClinGen allele CA2739278405.

ClinVar aggregate classification (germline): Pathogenic (1 of 4 stars; one submission).

Submission:

Labcorp Genetics (formerly Invitae), Labcorp
Classification: Pathogenic. Last evaluated: 2023-02-25. Review status: criteria provided, single submitter. Criteria: Invitae Variant Classification Sherloc (09022015). Collection method: clinical testing. Allele origin: germline.
Comment: This sequence change results in a frameshift in the COL7A1 gene (p.Glu2902Argfs*50). While this is not anticipated to result in nonsense mediated decay, it is expected to disrupt the last 43 amino acid(s) of the COL7A1 protein and extend the protein by 6 additional amino acid residues. This variant is not present in population databases (gnomAD no frequency). This variant has not been reported in the literature in individuals affected with COL7A1-related conditions. This variant disrupts a region of the COL7A1 protein in which other variant(s) ( p.Arg2927His) have been determined to be pathogenic (PMID: 16971478, 26446410). This suggests that this is a clinically significant region of the protein, and that variants that disrupt it are likely to be disease-causing. For these reasons, this variant has been classified as Pathogenic.

Literature cited by the submitters: PubMed 16971478; PubMed 26446410.